The following is an entry in ClinVar:

ClinVar aggregate classification (germline): Uncertain significance (1 of 4 stars; one submission).

Conditions:
Werner syndrome (WRN). Identifiers: Orphanet 902, MedGen C0043119, MONDO:0010196, OMIM 277700.

Submission:

Labcorp Genetics (formerly Invitae), Labcorp
Classification: Uncertain significance for Werner syndrome. Last evaluated: 2025-07-14. Review status: criteria provided, single submitter. Criteria: Invitae Variant Classification Sherloc (09022015). Collection method: clinical testing. Allele origin: germline.
Comment: This sequence change replaces threonine, which is neutral and polar, with serine, which is neutral and polar, at codon 422 of the WRN protein (p.Thr422Ser). This variant is not present in population databases (gnomAD no frequency). This variant has not been reported in the literature in individuals affected with WRN-related conditions. ClinVar contains an entry for this variant (Variation ID: 2085339). An algorithm developed to predict the effect of missense changes on protein structure and function outputs the following: PolyPhen-2: "Benign". The serine amino acid residue is found in multiple mammalian species, which suggests that this missense change does not adversely affect protein function. In summary, the available evidence is currently insufficient to determine the role of this variant in disease. Therefore, it has been classified as a Variant of Uncertain Significance.

NM_000553.6(WRN):c.1264A>T (p.Thr422Ser)

Gene: WRN (WRN RecQ like helicase; plus strand). Cytogenetic location: 8p12.
Variant type: single nucleotide variant.
Coding change: c.1264A>T on transcript NM_000553.6 (MANE Select); coding-DNA position 1264, A replaced by T.
Protein change: p.Thr422Ser; replaces threonine 422 with serine.
Molecular consequence: missense variant.
Genome position (GRCh38, 1-based): chr8:31,081,291, A>T. VCF-style: chr8-31081291-A-T. GRCh37 (hg19) VCF-style: chr8-30938807-A-T.
Other names: short protein forms T422S.
Identifiers: ClinVar variation 2085339 (VCV002085339.4), dbSNP rs770185829, ClinGen allele CA370921568.